The following is an entry in ClinVar:

ClinVar aggregate classification (germline): Conflicting classifications of pathogenicity. Review status: criteria provided, conflicting classifications (1 of 4 stars). 7 submissions from 7 submitters: Uncertain significance (1); Benign (2); Likely benign (3). 1 of the submissions does not count toward it. Last evaluated 2026-02-04.

Conditions:
Hereditary cancer-predisposing syndrome. Also called: Tumor predisposition; Hereditary neoplastic syndrome; Neoplastic Syndromes, Hereditary; Hereditary Cancer Syndrome. Identifiers: Orphanet 140162, MedGen C0027672, MeSH D009386, MONDO:0015356.
Bloom syndrome (BLM). Also called: Bloom-Torre-Machacek syndrome. Identifiers: Orphanet 125, MedGen C0005859, MONDO:0008876, OMIM 210900.

Allele frequency attached by ClinVar (database versions not stated): TOPMed 0.00072; gnomAD exomes 0.00080 and 0.00138; ExAC 0.00081; gnomAD 0.00087 and 0.00093; ESP Exome Variant Server 0.00139.
gnomAD v4.1: 2,167 of 1,605,930 alleles (0.13%); highest among the groups gnomAD compares: Non-Finnish European, 0.16%; 2 homozygotes.

Submissions (7):

Labcorp Genetics (formerly Invitae), Labcorp
Classification: Benign for Bloom syndrome. Last evaluated: 2026-02-04. Review status: criteria provided, single submitter. Criteria: Invitae Variant Classification Sherloc (09022015). Collection method: clinical testing. Allele origin: germline.

Blueprint Genetics
Classification: Likely benign. Last evaluated: 2024-10-03. Review status: criteria provided, single submitter. Criteria: ACMG Guidelines, 2015. Collection method: clinical testing. Allele origin: germline.

ARUP Laboratories, Molecular Genetics and Genomics, ARUP Laboratories
Classification: Likely benign for Bloom syndrome. Last evaluated: 2024-04-03. Review status: criteria provided, single submitter. Criteria: ARUP Molecular Germline Variant Investigation Process 2024. Collection method: clinical testing. Allele origin: germline.

Sema4
Classification: Likely benign for Hereditary cancer-predisposing syndrome. Last evaluated: 2021-04-28. Review status: criteria provided, single submitter. Criteria: Sema4 Curation Guidelines. Collection method: curation. Allele origin: germline.

Illumina Laboratory Services, Illumina
Classification: Uncertain significance for Bloom syndrome. Last evaluated: 2018-01-13. Review status: criteria provided, single submitter. Criteria: ICSL Variant Classification Criteria 13 December 2019. Collection method: clinical testing. Allele origin: germline.

GeneDx
Classification: Benign. Last evaluated: 2014-01-08. Review status: criteria provided, single submitter. Criteria: GeneDx Variant Classification (06012015). Collection method: clinical testing. Allele origin: germline. Affected: yes.
Comment: This variant is considered likely benign or benign based on one or more of the following criteria: it is a conservative change, it occurs at a poorly conserved position in the protein, it is predicted to be benign by multiple in silico algorithms, and/or has population frequency not consistent with disease.

Natera, Inc.
Classification: Likely benign for Bloom syndrome. Last evaluated: 2018-04-09. Review status: no assertion criteria provided. Collection method: clinical testing. Allele origin: germline. Not counted in ClinVar's aggregate classification.

NM_000057.4(BLM):c.3359-13A>G

Gene: BLM (BLM RecQ like helicase; plus strand). Cytogenetic location: 15q26.1.
Variant type: single nucleotide variant.
Coding change: c.3359-13A>G on transcript NM_000057.4 (MANE Select); 13 bases into the intron before coding-DNA position 3359, A replaced by G.
Molecular consequence: intron variant.
Genome position (GRCh38, 1-based): chr15:90,803,508, A>G. VCF-style: chr15-90803508-A-G. GRCh37 (hg19) VCF-style: chr15-91346738-A-G.
Other names: c.3359-13A>G (NM_001287246.2, LRG_20t1); c.2234-13A>G (NM_001287248.2); c.3358+5171A>G (NM_001287247.2).
Identifiers: ClinVar variation 136517 (VCV000136517.20), dbSNP rs200250931, ClinGen allele CA289706.